The following is an entry in ClinVar:

NM_015338.6(ASXL1):c.1638G>T (p.Gln546His)

Gene: ASXL1 (ASXL transcriptional regulator 1; plus strand). Cytogenetic location: 20q11.21.
Variant type: single nucleotide variant.
Coding change: c.1638G>T on transcript NM_015338.6 (MANE Select); coding-DNA position 1638, G replaced by T.
Protein change: p.Gln546His; replaces glutamine 546 with histidine.
Molecular consequence: missense variant.
Genome position (GRCh38, 1-based): chr20:32,433,836, G>T. VCF-style: chr20-32433836-G-T. GRCh37 (hg19) VCF-style: chr20-31021639-G-T.
Other names: c.1455G>T, p.Gln485His (NM_001363734.1); short protein forms Q485H, Q546H.
Identifiers: ClinVar variation 3370707 (VCV003370707.1).

ClinVar aggregate classification (germline): Uncertain significance (1 of 4 stars; one submission).

Submission:

GeneDx
Classification: Uncertain significance. Last evaluated: 2024-03-12. Review status: criteria provided, single submitter. Criteria: GeneDx Variant Classification Process June 2021. Collection method: clinical testing. Allele origin: germline. Affected: yes.
Comment: Not observed at significant frequency in large population cohorts (gnomAD); In silico analysis supports that this missense variant does not alter protein structure/function; Has not been previously published as pathogenic or benign to our knowledge